The following is an entry in ClinVar:

NM_000276.4(OCRL):c.1477C>T (p.Arg493Trp)

Gene: OCRL (OCRL inositol polyphosphate-5-phosphatase; plus strand). Cytogenetic location: Xq26.1.
Variant type: single nucleotide variant.
Coding change: c.1477C>T on transcript NM_000276.4 (MANE Select); coding-DNA position 1477, C replaced by T.
Protein change: p.Arg493Trp; replaces arginine 493 with tryptophan.
Molecular consequence: missense variant.
Genome position (GRCh38, 1-based): chrX:129,569,274, C>T. VCF-style: chrX-129569274-C-T. GRCh37 (hg19) VCF-style: chrX-128703251-C-T.
Other names: R476W; c.1480C>T, p.Arg494Trp (NM_001318784.2); c.1477C>T, p.Arg493Trp (NM_001587.4); short protein forms R493W, R494W.
Identifiers: ClinVar variation 68712 (VCV000068712.12), dbSNP rs137853846, ClinGen allele CA345320.
Genomic context (GRCh38, chrX:129,569,274, plus strand): 5'-TATGTTCTTGTGTGATATGTTCTCTTTATAACTCGTTTCTTTACTTACAGTGGGAAATGC[C>T]GGGTTCCAGCCTGGTGTGACCGAATTCTTTGGAGAGGAACAAATGTTAATCAGCTTAATT-3'
Protein context (NP_000267.2, residues 483-503): TDRWDSSGKC[Arg493Trp]VPAWCDRILW

ClinVar aggregate classification (germline): Pathogenic. Review status: criteria provided, multiple submitters, no conflicts (2 of 4 stars). 5 submissions from 5 submitters: Pathogenic (2). 3 of the submissions do not count toward it. Last evaluated 2025-12-14.

Conditions:
Dent disease type 2. Identifiers: Orphanet 1652, Orphanet 93623, MedGen C1845167, MONDO:0010359, OMIM 300555.
Lowe syndrome (OCRL). Also called: PHOSPHATIDYLINOSITOL 4,5-BISPHOSPHATE 5-PHOSPHATASE DEFICIENCY; Oculocerebrorenal Syndrome; LOWE OCULOCEREBRORENAL SYNDROME. Identifiers: Orphanet 534, MedGen C0028860, MONDO:0010645, OMIM 309000.

Submissions (5):

Labcorp Genetics (formerly Invitae), Labcorp
Classification: Pathogenic for Lowe syndrome. Last evaluated: 2025-12-14. Review status: criteria provided, single submitter. Criteria: Invitae Variant Classification Sherloc (09022015). Collection method: clinical testing. Allele origin: germline.
Comment: This sequence change replaces arginine, which is basic and polar, with tryptophan, which is neutral and slightly polar, at codon 493 of the OCRL protein (p.Arg493Trp). This variant is not present in population databases (gnomAD no frequency). This missense change has been observed in individual(s) with OCRL-related conditions (PMID: 17162149, 31674016, 34680992). In at least one individual the variant was observed to be de novo. This variant is also known as R476W. ClinVar contains an entry for this variant (Variation ID: 68712). Invitae Evidence Modeling of protein sequence and biophysical properties (such as structural, functional, and spatial information, amino acid conservation, physicochemical variation, residue mobility, and thermodynamic stability) indicates that this missense variant is expected to disrupt OCRL protein function with a positive predictive value of 80%. For these reasons, this variant has been classified as Pathogenic.

Institute of Medical Genetics and Applied Genomics, University Hospital Tübingen
Classification: Pathogenic for Dent disease type 2. Last evaluated: 2025-09-23. Review status: criteria provided, single submitter. Criteria: ACMG Guidelines, 2015. Collection method: clinical testing. Allele origin: germline. Inheritance: X-linked recessive inheritance. Affected: yes.

OMIM
Classification: Pathogenic for DENT DISEASE 2. Last evaluated: 2021-06-22. Review status: no assertion criteria provided. Collection method: literature only. Allele origin: germline. Not counted in ClinVar's aggregate classification.

GeneReviews
No classification provided. Condition: Dent disease type 2. Review status: no classification provided. Collection method: literature only. Allele origin: germline. Affected: yes. Not counted in ClinVar's aggregate classification.

UniProtKB/Swiss-Prot
No classification provided. Condition: Dent disease 2. Review status: no classification provided. Collection method: not provided. Allele origin: germline. Not counted in ClinVar's aggregate classification.

Literature cited by the submitters: PubMed 17162149 (cited by Labcorp Genetics (formerly Invitae), Labcorp); PubMed 31674016 (cited by Labcorp Genetics (formerly Invitae), Labcorp); PubMed 34680992 (cited by Labcorp Genetics (formerly Invitae), Labcorp); PubMed 27625797 (cited by OMIM); PubMed 17384968 (cited by GeneReviews); PubMed 24081861 (cited by GeneReviews); DOI 10.3233/PGE-2012-005 (cited by GeneReviews); NCBI Bookshelf NBK99494 (cited by GeneReviews).